The following is an entry in ClinVar:

NM_176787.5(PIGN):c.1173-8A>G

Genes: PIGN (phosphatidylinositol glycan anchor biosynthesis class N; minus strand), LOC132090498 (Neanderthal introgressed variant-containing enhancer experimental_48738; plus strand). Cytogenetic location: 18q21.33.
Variant type: single nucleotide variant.
Coding change: c.1173-8A>G on transcript NM_176787.5 (MANE Select); 8 bases into the intron before coding-DNA position 1173, A replaced by G.
Molecular consequence: intron variant.
Genome position (GRCh38, 1-based): chr18:62,114,647, T>C on the plus strand (A>G on the coding strand, the complement: PIGN is on the minus strand). VCF-style: chr18-62114647-T-C. GRCh37 (hg19) VCF-style: chr18-59781880-T-C.
Other names: c.1173-8A>G (NM_012327.6).
Identifiers: ClinVar variation 539564 (VCV000539564.14), dbSNP rs76321419, ClinGen allele CA8982357.

ClinVar aggregate classification (germline): Likely benign. Review status: criteria provided, single submitter (1 of 4 stars). 2 submissions from 2 submitters: Likely benign (1). 1 of the submissions does not count toward it. Last evaluated 2025-05-21.

Conditions:
PIGN-related disorder. Also called: PIGN-related condition.
Multiple congenital anomalies-hypotonia-seizures syndrome 1 (MCAHS1). Also called: PIGN-CDG; Congenital disorder of glycosylation due to PIGN deficiency; GLYCOSYLPHOSPHATIDYLINOSITOL BIOSYNTHESIS DEFECT 3. Identifiers: Orphanet 280633, MedGen C3279775, MONDO:0013563, OMIM 614080.

Allele frequency attached by ClinVar (database versions not stated): gnomAD exomes 0.00001 and 0.00002; gnomAD 0.00006; TOPMed 0.00009; ExAC 0.00010; 1000 Genomes Project 0.00040.
gnomAD v4.1: 23 of 1,370,706 alleles (0.0017%); highest among the groups gnomAD compares: African/African-American, 0.016%; no homozygotes.

Submissions (2):

Labcorp Genetics (formerly Invitae), Labcorp
Classification: Likely benign for Multiple congenital anomalies-hypotonia-seizures syndrome 1. Last evaluated: 2025-05-21. Review status: criteria provided, single submitter. Criteria: Invitae Variant Classification Sherloc (09022015). Collection method: clinical testing. Allele origin: germline.

PreventionGenetics, part of Exact Sciences
Classification: Likely benign for PIGN-related condition. Last evaluated: 2021-04-06. Review status: no assertion criteria provided. Collection method: clinical testing. Allele origin: germline. Not counted in ClinVar's aggregate classification.
Comment: This variant is classified as likely benign based on ACMG/AMP sequence variant interpretation guidelines (Richards et al. 2015 PMID: 25741868, with internal and published modifications).